The following is an entry in ClinVar:

NM_001868.4(CPA1):c.973G>A (p.Asp325Asn)

Gene: CPA1 (carboxypeptidase A1; plus strand). Cytogenetic location: 7q32.2.
Variant type: single nucleotide variant.
Coding change: c.973G>A on transcript NM_001868.4 (MANE Select); coding-DNA position 973, G replaced by A.
Protein change: p.Asp325Asn; replaces aspartic acid 325 with asparagine.
Molecular consequence: missense variant.
Genome position (GRCh38, 1-based): chr7:130,385,331, G>A. VCF-style: chr7-130385331-G-A. GRCh37 (hg19) VCF-style: chr7-130025172-G-A.
Other names: short protein forms D325N.
Identifiers: ClinVar variation 3496185 (VCV003496185.1).

ClinVar aggregate classification (germline): Uncertain significance (1 of 4 stars; one submission).

Conditions:
Hereditary pancreatitis (PCTT). Also called: Hereditary chronic pancreatitis; PRSS1-Related Hereditary Pancreatitis. Identifiers: Orphanet 676, MedGen C0238339, MONDO:0008185, OMIM 167800.

Submission:

Ambry Genetics
Classification: Uncertain significance for Hereditary pancreatitis. Last evaluated: 2024-07-31. Review status: criteria provided, single submitter. Criteria: Ambry Variant Classification Scheme 2023. Collection method: clinical testing. Allele origin: germline.
Comment: The p.D325N variant (also known as c.973G>A), located in coding exon 8 of the CPA1 gene, results from a G to A substitution at nucleotide position 973. The aspartic acid at codon 325 is replaced by asparagine, an amino acid with highly similar properties. This amino acid position is conserved. In addition, this alteration is predicted to be tolerated by in silico analysis. Based on the available evidence, the clinical significance of this variant remains unclear.